The following is an entry in ClinVar:

NM_001148.6(ANK2):c.11062A>G (p.Thr3688Ala)

Gene: ANK2 (ankyrin 2; plus strand). Cytogenetic location: 4q26.
Variant type: single nucleotide variant.
Coding change: c.11062A>G on transcript NM_001148.6 (MANE Select); coding-DNA position 11062, A replaced by G.
Protein change: p.Thr3688Ala; replaces threonine 3688 with alanine.
Molecular consequence: missense variant.
Genome position (GRCh38, 1-based): chr4:113,367,595, A>G. VCF-style: chr4-113367595-A-G. GRCh37 (hg19) VCF-style: chr4-114288751-A-G.
Other names: c.4651A>G, p.Thr1551Ala (NM_001386160.1); c.4741A>G, p.Thr1581Ala (NM_001386161.1, NM_001354244.2, NM_001354256.2); c.4621A>G, p.Thr1541Ala (NM_001386162.1, NM_001354249.2, NM_001354266.2 and 2 more transcripts); c.7462A>G, p.Thr2488Ala (NM_001386166.1); c.1207A>G, p.Thr403Ala (NM_001386167.1); c.11203A>G, p.Thr3735Ala (NM_001386174.1); c.11179A>G, p.Thr3727Ala (NM_001386175.1); c.4792A>G, p.Thr1598Ala (NM_001386186.2, NM_001386148.2); and 35 more; short protein forms T1545A, T1556A, T1581A, T1593A, T1594A, T1596A, T1602A, T1615A.
Identifiers: ClinVar variation 5021908 (VCV005021908.1).

ClinVar aggregate classification (germline): Uncertain significance (1 of 4 stars; one submission).

Conditions:
Cardiovascular phenotype. Identifiers: MedGen CN230736.

gnomAD v4.1: 1 of 1,613,896 alleles (0.000062%); highest among the groups gnomAD compares: African/African-American, 0.0013%; no homozygotes.

Submission:

Ambry Genetics
Classification: Uncertain significance for Cardiovascular phenotype. Last evaluated: 2026-06-25. Review status: criteria provided, single submitter. Criteria: Ambry Variant Classification Scheme 2023. Collection method: clinical testing. Allele origin: germline.
Comment: The p.T3688A variant (also known as c.11062A>G), located in coding exon 42 of the ANK2 gene, results from an A to G substitution at nucleotide position 11062. The threonine at codon 3688 is replaced by alanine, an amino acid with similar properties. This amino acid position is conserved. In addition, this alteration is predicted to be tolerated by in silico analysis. Based on the available evidence, the clinical significance of this variant remains unclear.